The following is an entry in ClinVar:

ClinVar aggregate classification (germline): Likely benign. Review status: criteria provided, multiple submitters, no conflicts (2 of 4 stars). 2 submissions from 2 submitters: Likely benign (2). Last evaluated 2024-12-08.

Conditions:
Rafiq syndrome (RAFQS). Identifiers: Orphanet 88616, MedGen C3280127, MONDO:0013624, OMIM 614202.

Allele frequency attached by ClinVar (database versions not stated): gnomAD 0.00006 and 0.00011; TOPMed 0.00006; gnomAD exomes 0.00009 and 0.00013; ExAC 0.00012; 1000 Genomes Project 0.00040; 1000 Genomes Project 30x 0.00047.
gnomAD v4.1: 201 of 1,545,792 alleles (0.013%); highest among the groups gnomAD compares: East Asian, 0.26%; 1 homozygote.

Submissions (2):

Labcorp Genetics (formerly Invitae), Labcorp
Classification: Likely benign for Rafiq syndrome. Last evaluated: 2024-12-08. Review status: criteria provided, single submitter. Criteria: Invitae Variant Classification Sherloc (09022015). Collection method: clinical testing. Allele origin: germline.

Illumina Laboratory Services, Illumina
Classification: Likely benign for Rafiq syndrome. Last evaluated: 2018-01-12. Review status: criteria provided, single submitter. Criteria: ICSL Variant Classification Criteria 13 December 2019. Collection method: clinical testing. Allele origin: germline.
Comment: This variant was observed in the ICSL laboratory as part of a predisposition screen in an ostensibly healthy population. It had not been previously curated by ICSL or reported in the Human Gene Mutation Database (HGMD: prior to June 1st, 2018), and was therefore a candidate for classification through an automated scoring system. Utilizing variant allele frequency, disease prevalence and penetrance estimates, and inheritance mode, an automated score was calculated to assess if this variant is too frequent to cause the disease. Based on the score and internal cut-off values, a variant classified as likely benign is not then subjected to further curation. The score for this variant resulted in a classification of likely benign for this disease.

NM_016219.5(MAN1B1):c.1445+10G>A

Gene: MAN1B1 (mannosidase alpha class 1B member 1; plus strand). Cytogenetic location: 9q34.3.
Variant type: single nucleotide variant.
Coding change: c.1445+10G>A on transcript NM_016219.5 (MANE Select); 10 bases into the intron after coding-DNA position 1445, G replaced by A.
Molecular consequence: intron variant.
Genome position (GRCh38, 1-based): chr9:137,106,325, G>A. VCF-style: chr9-137106325-G-A. GRCh37 (hg19) VCF-style: chr9-140000777-G-A.
Identifiers: ClinVar variation 915170 (VCV000915170.8), dbSNP rs200441545, ClinGen allele CA5359212.
Genomic context (GRCh38, chr9:137,106,325, plus strand): 5'-CTATGAGTACCTGCTGAAGCAGTGGATCCAGGGCGGGAAGCAGGAGACACAGTGAGGCCC[G>A]GCCCGCTGCCCCCAGCTCCCGCGGCTCCCCCGTTCCCGCAGCCCCCCACTCCTGCTGCCC-3'